The following is an entry in ClinVar:

ClinVar aggregate classification (germline): Uncertain significance (1 of 4 stars; one submission).

Conditions:
Inborn genetic diseases. Identifiers: MedGen C0950123, MeSH D030342.

gnomAD v4.1: 1 of 1,612,142 alleles (0.000062%); highest among the groups gnomAD compares: Non-Finnish European, 0.000085%; no homozygotes.

Submission:

Ambry Genetics
Classification: Uncertain significance for Inborn genetic diseases. Last evaluated: 2024-09-24. Review status: criteria provided, single submitter. Criteria: Ambry Variant Classification Scheme 2023. Collection method: clinical testing. Allele origin: germline.
Comment: The p.V247G variant (also known as c.740T>G), located in coding exon 7 of the LRRK2 gene, results from a T to G substitution at nucleotide position 740. The valine at codon 247 is replaced by glycine, an amino acid with dissimilar properties. This amino acid position is conserved. In addition, the in silico prediction for this alteration is inconclusive. Based on the available evidence, the clinical significance of this variant remains unclear.

NM_198578.4(LRRK2):c.740T>G (p.Val247Gly)

Gene: LRRK2 (leucine rich repeat kinase 2; plus strand). Cytogenetic location: 12q12.
Variant type: single nucleotide variant.
Coding change: c.740T>G on transcript NM_198578.4 (MANE Select); coding-DNA position 740, T replaced by G.
Protein change: p.Val247Gly; replaces valine 247 with glycine.
Molecular consequence: missense variant.
Genome position (GRCh38, 1-based): chr12:40,243,583, T>G. VCF-style: chr12-40243583-T-G. GRCh37 (hg19) VCF-style: chr12-40637385-T-G.
Other names: short protein forms V247G.
Identifiers: ClinVar variation 3540699 (VCV003540699.1).